The following is an entry in ClinVar:

ClinVar aggregate classification (germline): Uncertain significance (1 of 4 stars; one submission).

Conditions:
Severe combined immunodeficiency due to DNA-PKcs deficiency. Also called: IMMUNODEFICIENCY 26 WITH NEUROLOGIC ABNORMALITIES; Immunodeficiency 26 with or without neurologic abnormalities. Identifiers: Orphanet 317425, MedGen C4014833, MONDO:0014423, OMIM 615966.

Allele frequency attached by ClinVar (database versions not stated): ExAC 0.00001.
gnomAD v4.1: 4 of 1,614,034 alleles (0.00025%); highest among the groups gnomAD compares: Non-Finnish European, 0.00025%; no homozygotes.

Submission:

Labcorp Genetics (formerly Invitae), Labcorp
Classification: Uncertain significance for Severe combined immunodeficiency due to DNA-PKcs deficiency. Last evaluated: 2022-04-12. Review status: criteria provided, single submitter. Criteria: Invitae Variant Classification Sherloc (09022015). Collection method: clinical testing. Allele origin: germline.
Comment: In summary, the available evidence is currently insufficient to determine the role of this variant in disease. Therefore, it has been classified as a Variant of Uncertain Significance. Experimental studies and prediction algorithms are not available or were not evaluated, and the functional significance of this variant is currently unknown. This variant has not been reported in the literature in individuals affected with PRKDC-related conditions. This variant is present in population databases (rs772131067, gnomAD 0.0009%). This sequence change replaces lysine, which is basic and polar, with arginine, which is basic and polar, at codon 2366 of the PRKDC protein (p.Lys2366Arg).

NM_006904.7(PRKDC):c.7097A>G (p.Lys2366Arg)

Gene: PRKDC (protein kinase, DNA-activated, catalytic subunit; minus strand). Cytogenetic location: 8q11.21.
Variant type: single nucleotide variant.
Coding change: c.7097A>G on transcript NM_006904.7 (MANE Select); coding-DNA position 7097, A replaced by G.
Protein change: p.Lys2366Arg; replaces lysine 2366 with arginine.
Molecular consequence: missense variant.
Genome position (GRCh38, 1-based): chr8:47,849,412, T>C on the plus strand (A>G on the coding strand, the complement: PRKDC is on the minus strand). VCF-style: chr8-47849412-T-C. GRCh37 (hg19) VCF-style: chr8-48761973-T-C.
Other names: c.7097A>G, p.Lys2366Arg (NM_001081640.2); short protein forms K2366R.
Identifiers: ClinVar variation 1953362 (VCV001953362.5), dbSNP rs772131067, ClinGen allele CA4740183.